The following is an entry in ClinVar:

NM_004341.5(CAD):c.2824G>A (p.Val942Ile)

Genes: CAD (carbamoyl-phosphate synthetase 2, aspartate transcarbamylase, and dihydroorotase; plus strand), LOC126806171 (BRD4-independent group 4 enhancer GRCh37_chr2:27454350-27455549; plus strand). Cytogenetic location: 2p23.3.
Variant type: single nucleotide variant.
Coding change: c.2824G>A on transcript NM_004341.5 (MANE Select); coding-DNA position 2824, G replaced by A.
Protein change: p.Val942Ile; replaces valine 942 with isoleucine.
Molecular consequence: missense variant.
Genome position (GRCh38, 1-based): chr2:27,232,626, G>A. VCF-style: chr2-27232626-G-A. GRCh37 (hg19) VCF-style: chr2-27455494-G-A.
Other names: c.2635G>A, p.Val879Ile (NM_001306079.2); short protein forms V879I, V942I.
Identifiers: ClinVar variation 1403333 (VCV001403333.6), dbSNP rs2148077208, ClinGen allele CA346212853.

ClinVar aggregate classification (germline): Uncertain significance (1 of 4 stars; one submission).

gnomAD v4.1: 1 of 1,614,188 alleles (0.000062%); highest among the groups gnomAD compares: African/African-American, 0.0013%; no homozygotes.

Submission:

Labcorp Genetics (formerly Invitae), Labcorp
Classification: Uncertain significance. Last evaluated: 2021-12-21. Review status: criteria provided, single submitter. Criteria: Invitae Variant Classification Sherloc (09022015). Collection method: clinical testing. Allele origin: germline.
Comment: This variant is not present in population databases (gnomAD no frequency). In summary, the available evidence is currently insufficient to determine the role of this variant in disease. Therefore, it has been classified as a Variant of Uncertain Significance. Algorithms developed to predict the effect of missense changes on protein structure and function are either unavailable or do not agree on the potential impact of this missense change (SIFT: "Deleterious"; PolyPhen-2: "Probably Damaging"; Align-GVGD: "Class C0"). This variant has not been reported in the literature in individuals affected with CAD-related conditions. This sequence change replaces valine, which is neutral and non-polar, with isoleucine, which is neutral and non-polar, at codon 942 of the CAD protein (p.Val942Ile).